The following is an entry in ClinVar:

NM_058246.4(DNAJB6):c.296T>C (p.Val99Ala)

Gene: DNAJB6 (DnaJ heat shock protein family (Hsp40) member B6; plus strand). Cytogenetic location: 7q36.3.
Variant type: single nucleotide variant.
Coding change: c.296T>C on transcript NM_058246.4 (MANE Select); coding-DNA position 296, T replaced by C.
Protein change: p.Val99Ala; replaces valine 99 with alanine.
Molecular consequence: missense variant.
Genome position (GRCh38, 1-based): chr7:157,367,433, T>C. VCF-style: chr7-157367433-T-C. GRCh37 (hg19) VCF-style: chr7-157160127-T-C.
Other names: c.296T>C, p.Val99Ala (NM_001363676.1, NM_005494.3); short protein forms V99A.
Identifiers: ClinVar variation 998724 (VCV000998724.9), dbSNP rs751839445, ClinGen allele CA4590454.
Genomic context (GRCh38, chr7:157,367,433, plus strand): 5'-GTGGAAGTCATTTTGACAGTCCATTTGAATTTGGCTTCACATTCCGTAACCCAGATGATG[T>C]CTTCAGGGAATTTTTTGGTGGAAGGGACCCATTTTCATTTGACTTCTTTGGTAAGTTAAT-3'
Protein context (NP_490647.1, residues 89-109): FGFTFRNPDD[Val99Ala]FREFFGGRDP

ClinVar aggregate classification (germline): Uncertain significance (1 of 4 stars; one submission).

Conditions:
Autosomal dominant limb-girdle muscular dystrophy type 1D (DNAJB6) (LGMDD1). Also called: MUSCULAR DYSTROPHY, LIMB-GIRDLE, TYPE 1D; MUSCULAR DYSTROPHY, AUTOSOMAL DOMINANT, WITH RIMMED VACUOLES; Autosomal dominant limb-girdle muscular dystrophy type 1D; Muscular dystrophy, limb-girdle, autosomal dominant 1. Identifiers: Orphanet 34516, MedGen C4721885, MONDO:0021018, OMIM 603511.

Allele frequency attached by ClinVar (database versions not stated): gnomAD exomes below 0.00001; ExAC 0.00001.

Submission:

Labcorp Genetics (formerly Invitae), Labcorp
Classification: Uncertain significance for Autosomal dominant limb-girdle muscular dystrophy type 1D (DNAJB6). Last evaluated: 2022-01-14. Review status: criteria provided, single submitter. Criteria: Invitae Variant Classification Sherloc (09022015). Collection method: clinical testing. Allele origin: germline.
Comment: In summary, the available evidence is currently insufficient to determine the role of this variant in disease. Therefore, it has been classified as a Variant of Uncertain Significance. Algorithms developed to predict the effect of missense changes on protein structure and function are either unavailable or do not agree on the potential impact of this missense change (SIFT: "Deleterious"; PolyPhen-2: "Probably Damaging"; Align-GVGD: "Class C0"). ClinVar contains an entry for this variant (Variation ID: 998724). This variant has not been reported in the literature in individuals affected with DNAJB6-related conditions. This variant is present in population databases (rs751839445, gnomAD 0.0009%). This sequence change replaces valine, which is neutral and non-polar, with alanine, which is neutral and non-polar, at codon 99 of the DNAJB6 protein (p.Val99Ala).